The following is an entry in ClinVar:

NM_004006.3(DMD):c.10668T>A (p.Ala3556=)

Gene: DMD (dystrophin; minus strand). Cytogenetic location: Xp21.2.
Variant type: single nucleotide variant.
Coding change: c.10668T>A on transcript NM_004006.3 (MANE Select); coding-DNA position 10668, T replaced by A.
Protein change: p.Ala3556=; no amino-acid change (alanine 3556 retained).
Molecular consequence: synonymous variant.
Genome position (GRCh38, 1-based): chrX:31,147,404, A>T on the plus strand (T>A on the coding strand, the complement: DMD is on the minus strand). VCF-style: chrX-31147404-A-T. GRCh37 (hg19) VCF-style: chrX-31165521-A-T.
Other names: c.10644T>A, p.Ala3548= (NM_000109.4); c.10656T>A, p.Ala3552= (NM_004009.3); c.10299T>A, p.Ala3433= (NM_004010.3); c.6645T>A, p.Ala2215= (NM_004011.4); c.6636T>A, p.Ala2212= (NM_004012.4); c.3288T>A, p.Ala1096= (NM_004013.3, NM_004021.3); c.2481T>A, p.Ala827= (NM_004014.3); c.1464T>A, p.Ala488= (NM_004015.3, NM_004016.3); and 3 more.
Identifiers: ClinVar variation 2660238 (VCV002660238.24), dbSNP rs2147934482, ClinGen allele CA515855219.

ClinVar aggregate classification (germline): Likely benign (1 of 4 stars; one submission).

Submission:

CeGaT Center for Human Genetics Tuebingen
Classification: Likely benign. Last evaluated: 2023-02-01. Review status: criteria provided, single submitter. Criteria: CeGaT Center For Human Genetics Tuebingen Variant Classification Criteria Version 2. Collection method: clinical testing. Allele origin: germline. Affected: yes. Observed: 1 variant allele.
Comment: DMD: PM2:Supporting, BP4, BP7